The following is an entry in ClinVar:

ClinVar aggregate classification (germline): Uncertain significance (1 of 4 stars; one submission).

Conditions:
Cardiovascular phenotype. Identifiers: MedGen CN230736.

Submission:

Ambry Genetics
Classification: Uncertain significance for Cardiovascular phenotype. Last evaluated: 2025-09-28. Review status: criteria provided, single submitter. Criteria: Ambry Variant Classification Scheme 2023. Collection method: clinical testing. Allele origin: germline.
Comment: The p.S3623F variant (also known as c.10868C>T), located in coding exon 2 of the ZNF469 gene, results from a C to T substitution at nucleotide position 10868. The serine at codon 3623 is replaced by phenylalanine, an amino acid with highly dissimilar properties. This amino acid position is conserved. In addition, this alteration is predicted to be tolerated by in silico analysis. Based on the available evidence, the clinical significance of this variant remains unclear.

NM_001127464.1:c.10868C>T

Gene: ZNF469 (zinc finger protein 469; plus strand).
Variant type: single nucleotide variant.
Identifiers: ClinVar variation 4615447 (VCV004615447.1).